The following is an entry in ClinVar:

ClinVar aggregate classification (germline): Benign/Likely benign. Review status: criteria provided, multiple submitters, no conflicts (2 of 4 stars). 4 submissions from 4 submitters: Benign (1); Likely benign (3). Last evaluated 2024-04-15.

Conditions:
Hereditary cancer-predisposing syndrome. Also called: Hereditary neoplastic syndrome; Hereditary Cancer Syndrome; Neoplastic Syndromes, Hereditary; Tumor predisposition. Identifiers: Orphanet 140162, MedGen C0027672, MeSH D009386, MONDO:0015356.
Familial adenomatous polyposis 1 (FAP1). Also called: FAMILIAL ADENOMATOUS POLYPOSIS 1, ATTENUATED; POLYPOSIS, ADENOMATOUS INTESTINAL. Identifiers: MedGen C2713442, MONDO:0021056, OMIM 175100. Disease mechanism: loss of function.

Submissions (4):

Myriad Genetics, Inc.
Classification: Benign for Familial adenomatous polyposis 1. Last evaluated: 2024-04-15. Review status: criteria provided, single submitter. Criteria: Myriad Autosomal Dominant, Autosomal Recessive and X-Linked Classification Criteria (2023). Collection method: clinical testing. Allele origin: unknown.
Comment: This variant is considered benign. This variant is a silent/synonymous amino acid change and it is not expected to impact splicing.

Sema4
Classification: Likely benign for Hereditary cancer-predisposing syndrome. Last evaluated: 2022-03-10. Review status: criteria provided, single submitter. Criteria: Sema4 Curation Guidelines. Collection method: curation. Allele origin: germline.

Ambry Genetics
Classification: Likely benign for Hereditary cancer-predisposing syndrome. Last evaluated: 2022-01-04. Review status: criteria provided, single submitter. Criteria: Ambry Variant Classification Scheme 2023. Collection method: clinical testing. Allele origin: germline.

GeneDx
Classification: Likely benign. Last evaluated: 2017-01-30. Review status: criteria provided, single submitter. Criteria: GeneDx Variant Classification (06012015). Collection method: clinical testing. Allele origin: germline. Affected: yes.
Comment: This variant is considered likely benign or benign based on one or more of the following criteria: it is a conservative change, it occurs at a poorly conserved position in the protein, it is predicted to be benign by multiple in silico algorithms, and/or has population frequency not consistent with disease.

NM_000038.6(APC):c.8400T>G (p.Ala2800=)

Gene: APC (APC regulator of Wnt signaling pathway; plus strand). Cytogenetic location: 5q22.2.
Variant type: single nucleotide variant.
Coding change: c.8400T>G on transcript NM_000038.6 (MANE Select); coding-DNA position 8400, T replaced by G.
Protein change: p.Ala2800=; no amino-acid change (alanine 2800 retained).
Molecular consequence: synonymous variant.
Genome position (GRCh38, 1-based): chr5:112,843,994, T>G. VCF-style: chr5-112843994-T-G. GRCh37 (hg19) VCF-style: chr5-112179691-T-G.
Other names: c.8400T>G, p.Ala2800= (NM_001127510.3, NM_001354895.2); c.8346T>G, p.Ala2782= (NM_001127511.3); c.8454T>G, p.Ala2818= (NM_001354896.2); c.8430T>G, p.Ala2810= (NM_001354897.2); c.8325T>G, p.Ala2775= (NM_001354898.2); c.8316T>G, p.Ala2772= (NM_001354899.2); c.8277T>G, p.Ala2759= (NM_001354900.2); c.8223T>G, p.Ala2741= (NM_001354901.2); and 5 more.
Identifiers: ClinVar variation 507131 (VCV000507131.5), dbSNP rs1554089109, ClinGen allele CA446211346.
Genomic context (GRCh38, chr5:112,843,994, plus strand): 5'-AGTGACTCCTTTTAATTACAACCCAAGCCCTAGGAAAAGCAGCGCAGATAGCACTTCAGC[T>G]CGGCCATCTCAGATCCCAACTCCAGTGAATAACAACACAAAGAAGCGAGATTCCAAAACT-3'
Protein context (NP_000029.2, residues 2790-2810): PRKSSADSTS[Ala2800=]RPSQIPTPVN